The following is an entry in ClinVar:

ClinVar aggregate classification (germline): Likely benign. Review status: criteria provided, multiple submitters, no conflicts (2 of 4 stars). 3 submissions from 3 submitters: Likely benign (2). 1 of the submissions does not count toward it. Last evaluated 2026-02-03.

Conditions:
COX15-related disorder. Also called: COX15-related condition.

Allele frequency attached by ClinVar (database versions not stated): gnomAD exomes 0.00011; ExAC 0.00014; 1000 Genomes Project 0.00040; TOPMed 0.00041; 1000 Genomes Project 30x 0.00047; gnomAD 0.00051 and 0.00053; ESP Exome Variant Server 0.00069.
gnomAD v4.1: 131 of 1,614,204 alleles (0.0081%); highest among the groups gnomAD compares: African/African-American, 0.15%; 1 homozygote.

Submissions (3):

Labcorp Genetics (formerly Invitae), Labcorp
Classification: Likely benign. Last evaluated: 2026-02-03. Review status: criteria provided, single submitter. Criteria: Invitae Variant Classification Sherloc (09022015). Collection method: clinical testing. Allele origin: germline.

GeneDx
Classification: Likely benign. Last evaluated: 2020-10-05. Review status: criteria provided, single submitter. Criteria: GeneDx Variant Classification Process June 2021. Collection method: clinical testing. Allele origin: germline. Affected: yes.

PreventionGenetics, part of Exact Sciences
Classification: Likely benign for COX15-related condition. Last evaluated: 2020-01-22. Review status: no assertion criteria provided. Collection method: clinical testing. Allele origin: germline. Not counted in ClinVar's aggregate classification.
Comment: This variant is classified as likely benign based on ACMG/AMP sequence variant interpretation guidelines (Richards et al. 2015 PMID: 25741868, with internal and published modifications).

NM_078470.6(COX15):c.474T>C (p.Leu158=)

Gene: COX15 (cytochrome c oxidase assembly factor COX15; minus strand). Cytogenetic location: 10q24.2.
Variant type: single nucleotide variant.
Coding change: c.474T>C on transcript NM_078470.6 (MANE Select); coding-DNA position 474, T replaced by C.
Protein change: p.Leu158=; no amino-acid change (leucine 158 retained).
Molecular consequence: synonymous variant. On other transcripts: intron variant (1).
Genome position (GRCh38, 1-based): chr10:99,727,076, A>G on the plus strand (T>C on the coding strand, the complement: COX15 is on the minus strand). VCF-style: chr10-99727076-A-G. GRCh37 (hg19) VCF-style: chr10-101486833-A-G.
Other names: c.474T>C, p.Leu158= (NM_001320974.2, NM_001320975.2, NM_001372024.1 and 5 more transcripts); c.-59-5T>C (NM_001320976.2).
Identifiers: ClinVar variation 509505 (VCV000509505.16), dbSNP rs148525464, ClinGen allele CA5642254.